The following is an entry in ClinVar:

NM_006734.4(HIVEP2):c.4136T>C (p.Val1379Ala)

Gene: HIVEP2 (HIVEP zinc finger 2; minus strand). Cytogenetic location: 6q24.2.
Variant type: single nucleotide variant.
Coding change: c.4136T>C on transcript NM_006734.4 (MANE Select); coding-DNA position 4136, T replaced by C.
Protein change: p.Val1379Ala; replaces valine 1379 with alanine.
Molecular consequence: missense variant.
Genome position (GRCh38, 1-based): chr6:142,770,603, A>G on the plus strand (T>C on the coding strand, the complement: HIVEP2 is on the minus strand). VCF-style: chr6-142770603-A-G. GRCh37 (hg19) VCF-style: chr6-143091740-A-G.
Other names: short protein forms V1379A.
Identifiers: ClinVar variation 2499324 (VCV002499324.1), dbSNP rs1399521001, ClinGen allele CA365900834.

ClinVar aggregate classification (germline): Uncertain significance (1 of 4 stars; one submission).

Allele frequency attached by ClinVar (database versions not stated): TOPMed below 0.00001; gnomAD 0.00001.
gnomAD v4.1: 1 of 1,614,058 alleles (0.000062%); highest among the groups gnomAD compares: African/African-American, 0.0013%; no homozygotes.

Submission:

GeneDx
Classification: Uncertain significance. Last evaluated: 2022-10-12. Review status: criteria provided, single submitter. Criteria: GeneDx Variant Classification Process June 2021. Collection method: clinical testing. Allele origin: germline. Affected: yes.
Comment: Not observed at significant frequency in large population cohorts (gnomAD); In silico analysis supports that this missense variant does not alter protein structure/function; Has not been previously published as pathogenic or benign to our knowledge